The following is an entry in ClinVar:

NM_000256.3(MYBPC3):c.3339C>T (p.Phe1113=)

Gene: MYBPC3 (myosin binding protein C3; minus strand). Cytogenetic location: 11p11.2.
Variant type: single nucleotide variant.
Coding change: c.3339C>T on transcript NM_000256.3 (MANE Select); coding-DNA position 3339, C replaced by T.
Protein change: p.Phe1113=; no amino-acid change (phenylalanine 1113 retained).
Molecular consequence: synonymous variant.
Genome position (GRCh38, 1-based): chr11:47,332,965, G>A on the plus strand (C>T on the coding strand, the complement: MYBPC3 is on the minus strand). VCF-style: chr11-47332965-G-A. GRCh37 (hg19) VCF-style: chr11-47354516-G-A.
Identifiers: ClinVar variation 1895838 (VCV001895838.6), dbSNP rs2495738960, ClinGen allele CA053643.
Genomic context (GRCh38, chr11:47,332,965, plus strand): 5'-ATTGCCAATGATGAGCTCTGGCACCACGCAGTGGGTGCGGCGGTAATGCTCCAAGACGGT[G>A]AACCACTCCTGGGGGCAGGGAGGGAGGGGAGGCATCTCTGGGCCAGGCCCTTCCTGATGC-3'
Protein context (NP_000247.2, residues 1103-1123): QKADKKTMEW[Phe1113=]TVLEHYRRTH

ClinVar aggregate classification (germline): Likely benign. Review status: criteria provided, multiple submitters, no conflicts (2 of 4 stars). 2 submissions from 2 submitters: Likely benign (2). Last evaluated 2023-05-16.

Conditions:
Hypertrophic cardiomyopathy. Also called: HYPERTROPHIC MYOCARDIOPATHY. Identifiers: Orphanet 217569, MedGen C0007194, MeSH D002312, MONDO:0005045, HP:0001639.

Allele frequency attached by ClinVar (database versions not stated): gnomAD exomes below 0.00001.
gnomAD v4.1: 3 of 1,609,770 alleles (0.00019%); highest among the groups gnomAD compares: Non-Finnish European, 0.00025%; no homozygotes.

Submissions (2):

All of Us Research Program, National Institutes of Health
Classification: Likely benign for Hypertrophic cardiomyopathy. Last evaluated: 2023-05-16. Review status: criteria provided, single submitter. Criteria: ACMG Guidelines, 2015. Collection method: clinical testing. Allele origin: germline. Inheritance: Autosomal dominant inheritance. Observed: 2 variant alleles, 2 heterozygotes.
Comment: This study involves interpretation of variants in research participants for the purpose of population health screening. Participant phenotype was not available at the time of variant classification. Additional details can be found in publication PMID: 35346344, PMCID: PMC8962531

Labcorp Genetics (formerly Invitae), Labcorp
Classification: Likely benign for Hypertrophic cardiomyopathy. Last evaluated: 2022-07-25. Review status: criteria provided, single submitter. Criteria: Invitae Variant Classification Sherloc (09022015). Collection method: clinical testing. Allele origin: germline.